The following is an entry in ClinVar:

ClinVar aggregate classification (germline): Uncertain significance (1 of 4 stars; one submission).

Conditions:
Hereditary cancer-predisposing syndrome. Also called: Hereditary neoplastic syndrome; Neoplastic Syndromes, Hereditary; Tumor predisposition; Hereditary Cancer Syndrome. Identifiers: Orphanet 140162, MedGen C0027672, MeSH D009386, MONDO:0015356.

Submission:

Ambry Genetics
Classification: Uncertain significance for Hereditary cancer-predisposing syndrome. Last evaluated: 2022-02-21. Review status: criteria provided, single submitter. Criteria: Ambry Variant Classification Scheme 2023. Collection method: clinical testing. Allele origin: germline.
Comment: The p.C2341S variant (also known as c.7022G>C), located in coding exon 47 of the ATM gene, results from a G to C substitution at nucleotide position 7022. The cysteine at codon 2341 is replaced by serine, an amino acid with dissimilar properties. This amino acid position is conserved. In addition, this alteration is predicted to be deleterious by in silico analysis. Since supporting evidence is limited at this time, the clinical significance of this alteration remains unclear.

NM_000051.4(ATM):c.7022G>C (p.Cys2341Ser)

Genes: ATM (ATM serine/threonine kinase; plus strand), C11orf65 (chromosome 11 open reading frame 65; minus strand). Cytogenetic location: 11q22.3.
Variant type: single nucleotide variant.
Coding change: c.7022G>C on transcript NM_000051.4 (MANE Select); coding-DNA position 7022, G replaced by C.
Protein change: p.Cys2341Ser; replaces cysteine 2341 with serine.
Molecular consequence: missense variant. On other transcripts: intron variant (2).
Genome position (GRCh38, 1-based): chr11:108,327,691, G>C. VCF-style: chr11-108327691-G-C. GRCh37 (hg19) VCF-style: chr11-108198418-G-C.
Other names: c.7022G>C, p.Cys2341Ser (NM_001351834.2); c.641-18620C>G (NM_001330368.2); c.*38+7529C>G (NM_001351110.2); short protein forms C2341S.
Identifiers: ClinVar variation 1756734 (VCV001756734.2), dbSNP rs2136375666, ClinGen allele CA382558784.